The following is an entry in ClinVar:

ClinVar aggregate classification (germline): Uncertain significance. Review status: criteria provided, multiple submitters, no conflicts (2 of 4 stars). 2 submissions from 2 submitters: Uncertain significance (2). Last evaluated 2022-07-29.

Allele frequency attached by ClinVar (database versions not stated): gnomAD exomes below 0.00001; ExAC 0.00001; TOPMed 0.00001; gnomAD 0.00002.
gnomAD v4.1: 3 of 1,614,100 alleles (0.00019%); highest among the groups gnomAD compares: African/African-American, 0.004%; no homozygotes.

Submissions (2):

Labcorp Genetics (formerly Invitae), Labcorp
Classification: Uncertain significance. Last evaluated: 2022-07-29. Review status: criteria provided, single submitter. Criteria: Invitae Variant Classification Sherloc (09022015). Collection method: clinical testing. Allele origin: germline.
Comment: This sequence change replaces asparagine, which is neutral and polar, with isoleucine, which is neutral and non-polar, at codon 748 of the HPS5 protein (p.Asn748Ile). This variant is present in population databases (rs780582558, gnomAD 0.007%). This variant has not been reported in the literature in individuals affected with HPS5-related conditions. ClinVar contains an entry for this variant (Variation ID: 1408397). Algorithms developed to predict the effect of missense changes on protein structure and function (SIFT, PolyPhen-2, Align-GVGD) all suggest that this variant is likely to be tolerated. In summary, the available evidence is currently insufficient to determine the role of this variant in disease. Therefore, it has been classified as a Variant of Uncertain Significance.

Blueprint Genetics
Classification: Uncertain significance. Last evaluated: 2019-09-10. Review status: criteria provided, single submitter. Criteria: ACMG Guidelines, 2015. Collection method: clinical testing. Allele origin: germline.

NM_181507.2(HPS5):c.2243A>T (p.Asn748Ile)

Gene: HPS5 (HPS5 biogenesis of lysosomal organelles complex 2 subunit 2; minus strand). Cytogenetic location: 11p15.1.
Variant type: single nucleotide variant.
Coding change: c.2243A>T on transcript NM_181507.2 (MANE Select); coding-DNA position 2243, A replaced by T.
Protein change: p.Asn748Ile; replaces asparagine 748 with isoleucine.
Molecular consequence: missense variant.
Genome position (GRCh38, 1-based): chr11:18,291,639, T>A on the plus strand (A>T on the coding strand, the complement: HPS5 is on the minus strand). VCF-style: chr11-18291639-T-A. GRCh37 (hg19) VCF-style: chr11-18313186-T-A.
Other names: c.1901A>T, p.Asn634Ile (NM_007216.4, NM_181508.2); short protein forms N748I, N634I.
Identifiers: ClinVar variation 1408397 (VCV001408397.4), dbSNP rs780582558, ClinGen allele CA5909894.